The following is an entry in ClinVar:

ClinVar aggregate classification (germline): Pathogenic (1 of 4 stars; one submission).

Conditions:
X-linked severe combined immunodeficiency (SCIDX1). Also called: T-B+ severe combined immunodeficiency due to gamma chain deficiency; IMMUNODEFICIENCY 4; SCID, X-LINKED; SEVERE COMBINED IMMUNODEFICIENCY, X-LINKED, T CELL-NEGATIVE, B CELL-POSITIVE, NK CELL-NEGATIVE; X-Linked Combined Immunodeficiency Diseases. Identifiers: Orphanet 276, MedGen C6022468, MONDO:0010315, OMIM 300400. Disease mechanism: loss of function.

Submission:

Myriad Genetics, Inc.
Classification: Pathogenic for X-linked severe combined immunodeficiency. Last evaluated: 2025-02-05. Review status: criteria provided, single submitter. Criteria: Myriad Autosomal Dominant, Autosomal Recessive and X-Linked Classification Criteria (2023). Collection method: clinical testing. Allele origin: unknown.
Comment: NM_000206.2(IL2RG):c.458dupT(W155Lfs*13) is expected to be pathogenic in the context of X-linked severe combined immunodeficiency. This variant is predicted to lead to an abnormal or absent protein product due to the creation of a premature termination codon in IL2RG, a gene where loss-of-function variants are known to be pathogenic. Please note: this variant was assessed in the context of healthy population screening.

NM_000206.3(IL2RG):c.458dup (p.Trp155fs)

Gene: IL2RG (interleukin 2 receptor subunit gamma; minus strand). Cytogenetic location: Xq13.1.
Variant type: Duplication.
Coding change: c.458dup on transcript NM_000206.3 (MANE Select); coding-DNA position 458, one base duplicated (T; older notation c.458dupT).
Protein change: p.Trp155fs; shifts the reading frame from tryptophan 155.
Molecular consequence: frameshift variant.
Genome position (GRCh38, 1-based): chrX:71,110,292, A duplicated on the plus strand (T on the coding strand, the reverse complement: IL2RG is on the minus strand). VCF-style (leftmost placement, unchanged base first): chrX-71110291-G-GA. GRCh37 (hg19) VCF-style: chrX-70330141-G-GA.
Other names: c.458dup, p.Trp155fs (NM_001438870.1); short protein forms W155fs.
Identifiers: ClinVar variation 5014060 (VCV005014060.1).